The following is an entry in ClinVar:

ClinVar aggregate classification (germline): Pathogenic/Likely pathogenic. Review status: criteria provided, multiple submitters, no conflicts (2 of 4 stars). 3 submissions from 3 submitters: Pathogenic (2); Likely pathogenic (1). Last evaluated 2024-07-30.

Conditions:
Microcephaly 8, primary, autosomal recessive. Identifiers: Orphanet 2512, MedGen C3553414, MONDO:0013849, OMIM 614673.

Allele frequency attached by ClinVar (database versions not stated): gnomAD exomes 0.00001; gnomAD 0.00001; TOPMed 0.00001.
gnomAD v4.1: 8 of 1,613,466 alleles (0.0005%); highest among the groups gnomAD compares: African/African-American, 0.0027%; no homozygotes.

Submissions (3):

Labcorp Genetics (formerly Invitae), Labcorp
Classification: Pathogenic. Last evaluated: 2024-07-30. Review status: criteria provided, single submitter. Criteria: Invitae Variant Classification Sherloc (09022015). Collection method: clinical testing. Allele origin: germline.
Comment: This sequence change creates a premature translational stop signal (p.Arg1083*) in the CEP135 gene. It is expected to result in an absent or disrupted protein product. Loss-of-function variants in CEP135 are known to be pathogenic (PMID: 22521416, 26657937). This variant is not present in population databases (gnomAD no frequency). This variant has not been reported in the literature in individuals affected with CEP135-related conditions. ClinVar contains an entry for this variant (Variation ID: 1338334). For these reasons, this variant has been classified as Pathogenic.

Genetic Services Laboratory, University of Chicago
Classification: Likely pathogenic. Last evaluated: 2017-11-13. Review status: criteria provided, single submitter. Criteria: ACMG Guidelines, 2015. Collection method: clinical testing. Allele origin: germline. Affected: yes.

Department of Pediatric Genetics, Istanbul University - Cerrahpasa
Classification: Pathogenic for Microcephaly 8, primary, autosomal recessive. Review status: criteria provided, single submitter. Criteria: ACMG Guidelines, 2015. Collection method: clinical testing. Allele origin: germline. Affected: yes.

Literature cited by the submitters: PubMed 22521416 (cited by Labcorp Genetics (formerly Invitae), Labcorp); PubMed 26657937 (cited by Labcorp Genetics (formerly Invitae), Labcorp).

NM_025009.5(CEP135):c.3247C>T (p.Arg1083Ter)

Gene: CEP135 (centrosomal protein 135; plus strand). Cytogenetic location: 4q12.
Variant type: single nucleotide variant.
Coding change: c.3247C>T on transcript NM_025009.5 (MANE Select); coding-DNA position 3247, C replaced by T.
Protein change: p.Arg1083Ter; replaces arginine 1083 with a stop codon.
Molecular consequence: nonsense.
Genome position (GRCh38, 1-based): chr4:56,020,707, C>T. VCF-style: chr4-56020707-C-T. GRCh37 (hg19) VCF-style: chr4-56886873-C-T.
Other names: short protein forms R1083*.
Identifiers: ClinVar variation 1338334 (VCV001338334.7), dbSNP rs1730945388, ClinGen allele CA356976025.
Genomic context (GRCh38, chr4:56,020,707, plus strand): 5'-ATTTCTTGATTTTTTAATTTGTTTTTAAGAACTAGTCAAAGCCGGGAAAACACCATGCTT[C>T]GAGCTAAAGTGGCACAGTTACAAACAGATTATGATGCTCTGAAAAGGCAGATCTCAACTG-3'